The following is an entry in ClinVar:

NM_000059.4(BRCA2):c.4116del (p.Phe1372fs)

Gene: BRCA2 (BRCA2 DNA repair associated; plus strand). Cytogenetic location: 13q13.1.
Variant type: Deletion.
Coding change: c.4116del on transcript NM_000059.4 (MANE Select); coding-DNA position 4116, one base deleted (T; older notation c.4116delT).
Protein change: p.Phe1372fs; shifts the reading frame from phenylalanine 1372.
Molecular consequence: frameshift variant. On other transcripts: non-coding transcript variant (1), intron variant (2).
Genome position (GRCh38, 1-based): chr13:32,338,471, T deleted; the last of 3 consecutive T bases (chr13:32,338,469-32,338,471); deleting any one gives the same sequence. VCF-style (leftmost placement, unchanged base first): chr13-32338468-GT-G. GRCh37 (hg19) VCF-style: chr13-32912605-GT-G.
Other names: c.4116del, p.Phe1372fs (NM_001406719.1, NM_001406720.1); c.1909+5084del (NM_001406721.1); c.425-6087del (NM_001406722.1); short protein forms F1372fs.
Identifiers: ClinVar variation 3226636 (VCV003226636.1), dbSNP rs2548527663, ClinGen allele CA2825002136.

ClinVar aggregate classification (germline): Pathogenic (1 of 4 stars; one submission).

Conditions:
Hereditary cancer-predisposing syndrome. Also called: Neoplastic Syndromes, Hereditary; Tumor predisposition; Hereditary neoplastic syndrome; Hereditary Cancer Syndrome. Identifiers: Orphanet 140162, MedGen C0027672, MeSH D009386, MONDO:0015356.

Submission:

Ambry Genetics
Classification: Pathogenic for Hereditary cancer-predisposing syndrome. Last evaluated: 2023-11-17. Review status: criteria provided, single submitter. Criteria: Ambry Variant Classification Scheme 2023. Collection method: clinical testing. Allele origin: germline.
Comment: The c.4116delT pathogenic mutation, located in coding exon 10 of the BRCA2 gene, results from a deletion of one nucleotide at nucleotide position 4116, causing a translational frameshift with a predicted alternate stop codon (p.F1372Lfs*2). This variant is considered to be rare based on population cohorts in the Genome Aggregation Database (gnomAD). This alteration is expected to result in loss of function by premature protein truncation or nonsense-mediated mRNA decay. As such, this alteration is interpreted as a disease-causing mutation.